The following is an entry in ClinVar:

ClinVar aggregate classification (germline): Benign. Review status: criteria provided, single submitter (1 of 4 stars). 2 submissions from 1 submitter: Benign (2). Last evaluated 2018-01-13.

Conditions:
Perry syndrome. Also called: PARKINSONISM WITH ALVEOLAR HYPOVENTILATION AND MENTAL DEPRESSION. Identifiers: Orphanet 178509, MedGen C1868594, MONDO:0008201, OMIM 168605.
Neuronopathy, distal hereditary motor, type 7B. Also called: HMN VIIB; LOWER MOTOR NEURON DISEASE, DYNACTIN TYPE; NEURONOPATHY, DISTAL HEREDITARY MOTOR, AUTOSOMAL DOMINANT 14; NEURONOPATHY, DISTAL HEREDITARY MOTOR, HARDING TYPE VIIB; NEUROPATHY, DISTAL HEREDITARY MOTOR, HARDING TYPE VIIB; NEUROPATHY, DISTAL HEREDITARY MOTOR, WITH VOCAL CORD PARALYSIS, HARDING TYPE VIIB. Identifiers: Orphanet 139589, MedGen C1843315, MONDO:0011879, OMIM 607641.

Allele frequency attached by ClinVar (database versions not stated): 1000 Genomes Project 0.00080; ExAC 0.00125; gnomAD 0.00147; TOPMed 0.00161; 1000 Genomes Project 30x 0.00078.
gnomAD v4.1: 1,631 of 960,446 alleles (0.17%); highest among the groups gnomAD compares: Non-Finnish European, 0.23%; 3 homozygotes.

Submissions (2):

Illumina Laboratory Services, Illumina
Classification: Benign for Perry syndrome. Last evaluated: 2018-01-13. Review status: criteria provided, single submitter. Criteria: ICSL Variant Classification Criteria 13 December 2019. Collection method: clinical testing. Allele origin: germline.
Comment: This variant was observed in the ICSL laboratory as part of a predisposition screen in an ostensibly healthy population. It had not been previously curated by ICSL or reported in the Human Gene Mutation Database (HGMD: prior to June 1st, 2018), and was therefore a candidate for classification through an automated scoring system. Utilizing variant allele frequency, disease prevalence and penetrance estimates, and inheritance mode, an automated score was calculated to assess if this variant is too frequent to cause the disease. Based on the score and internal cut-off values, a variant classified as benign is not then subjected to further curation. The score for this variant resulted in a classification of benign for this disease.

Illumina Laboratory Services, Illumina
Classification: Benign for Neuronopathy, distal hereditary motor, type 7B. Last evaluated: 2018-01-13. Review status: criteria provided, single submitter. Criteria: ICSL Variant Classification Criteria 13 December 2019. Collection method: clinical testing. Allele origin: germline.
Comment: the same text as in the submission from Illumina Laboratory Services, Illumina above.

NM_004082.5(DCTN1):c.*167C>T

Gene: DCTN1 (dynactin subunit 1; minus strand). Cytogenetic location: 2p13.1.
Variant type: single nucleotide variant.
Coding change: c.*167C>T on transcript NM_004082.5 (MANE Select); 167 bases downstream of the stop codon, C replaced by T.
Molecular consequence: 3 prime UTR variant. On other transcripts: non-coding transcript variant (1).
Genome position (GRCh38, 1-based): chr2:74,361,332, G>A on the plus strand (C>T on the coding strand, the complement: DCTN1 is on the minus strand). VCF-style: chr2-74361332-G-A. GRCh37 (hg19) VCF-style: chr2-74588459-G-A.
Other names: c.*167C>T (NM_001135040.3, NM_001135041.3, NM_001190836.2 and 4 more transcripts).
Identifiers: ClinVar variation 337062 (VCV000337062.5), dbSNP rs142053202, ClinGen allele CA1721300.